The following is an entry in ClinVar:

ClinVar aggregate classification (germline): Uncertain significance (1 of 4 stars; one submission).

Allele frequency attached by ClinVar (database versions not stated): gnomAD exomes below 0.00001 and 0.00001; TOPMed 0.00001.
gnomAD v4.1: 3 of 1,613,638 alleles (0.00019%); highest among the groups gnomAD compares: Non-Finnish European, 0.00025%; no homozygotes.

Submission:

Labcorp Genetics (formerly Invitae), Labcorp
Classification: Uncertain significance. Last evaluated: 2022-07-06. Review status: criteria provided, single submitter. Criteria: Invitae Variant Classification Sherloc (09022015). Collection method: clinical testing. Allele origin: germline.
Comment: This sequence change replaces tyrosine, which is neutral and polar, with cysteine, which is neutral and slightly polar, at codon 255 of the C6 protein (p.Tyr255Cys). This variant is present in population databases (no rsID available, gnomAD 0.0009%). This variant has not been reported in the literature in individuals affected with C6-related conditions. ClinVar contains an entry for this variant (Variation ID: 1366193). Algorithms developed to predict the effect of missense changes on protein structure and function are either unavailable or do not agree on the potential impact of this missense change (SIFT: "Deleterious"; PolyPhen-2: "Probably Damaging"; Align-GVGD: "Class C0"). In summary, the available evidence is currently insufficient to determine the role of this variant in disease. Therefore, it has been classified as a Variant of Uncertain Significance.

NM_000065.5(C6):c.764A>G (p.Tyr255Cys)

Gene: C6 (complement C6; minus strand). Cytogenetic location: 5p13.1.
Variant type: single nucleotide variant.
Coding change: c.764A>G on transcript NM_000065.5 (MANE Select); coding-DNA position 764, A replaced by G.
Protein change: p.Tyr255Cys; replaces tyrosine 255 with cysteine.
Molecular consequence: missense variant.
Genome position (GRCh38, 1-based): chr5:41,181,522, T>C on the plus strand (A>G on the coding strand, the complement: C6 is on the minus strand). VCF-style: chr5-41181522-T-C. GRCh37 (hg19) VCF-style: chr5-41181624-T-C.
Other names: c.764A>G, p.Tyr255Cys (NM_001115131.4); short protein forms Y255C.
Identifiers: ClinVar variation 1366193 (VCV001366193.5), dbSNP rs1407099606, ClinGen allele CA359602189.
Genomic context (GRCh38, chr5:41,181,522, plus strand): 5'-CCCTGACTTGAGAATGAGCCTTGTTGATTTTCATTGTGTCCAAGAGAAGTTAAATCCTTG[T>C]AGAAATCTGTTTTCAAGTCATCTTCTGCAGTTTGTACCTGGAGAAAAATCCATGTAAAAT-3'
Protein context (NP_000056.2, residues 245-265): TAEDDLKTDF[Tyr255Cys]KDLTSLGHNE